The following is an entry in ClinVar:

ClinVar aggregate classification (germline): Conflicting classifications of pathogenicity. Review status: criteria provided, conflicting classifications (1 of 4 stars). 2 submissions from 2 submitters: Uncertain significance (1); Likely benign (1). Last evaluated 2021-10-20.

Allele frequency attached by ClinVar (database versions not stated): gnomAD exomes below 0.00001; TOPMed below 0.00001; gnomAD 0.00002.
gnomAD v4.1: 7 of 1,613,806 alleles (0.00043%); highest among the groups gnomAD compares: African/African-American, 0.0067%; no homozygotes.

Submissions (2):

Labcorp Genetics (formerly Invitae), Labcorp
Classification: Uncertain significance. Last evaluated: 2021-10-20. Review status: criteria provided, single submitter. Criteria: Invitae Variant Classification Sherloc (09022015). Collection method: clinical testing. Allele origin: germline.
Comment: This sequence change replaces arginine with glutamine at codon 597 of the ASPM protein (p.Arg597Gln). The arginine residue is weakly conserved and there is a small physicochemical difference between arginine and glutamine. This variant is not present in population databases (ExAC no frequency). This variant has not been reported in the literature in individuals affected with ASPM-related conditions. ClinVar contains an entry for this variant (Variation ID: 386007). Algorithms developed to predict the effect of missense changes on protein structure and function output the following: SIFT: "Tolerated"; PolyPhen-2: "Benign"; Align-GVGD: "Class C0". The glutamine amino acid residue is found in multiple mammalian species, which suggests that this missense change does not adversely affect protein function. In summary, the available evidence is currently insufficient to determine the role of this variant in disease. Therefore, it has been classified as a Variant of Uncertain Significance.

GeneDx
Classification: Likely benign. Last evaluated: 2016-05-09. Review status: criteria provided, single submitter. Criteria: GeneDx Variant Classification (06012015). Collection method: clinical testing. Allele origin: germline. Affected: yes.
Comment: This variant is considered likely benign or benign based on one or more of the following criteria: it is a conservative change, it occurs at a poorly conserved position in the protein, it is predicted to be benign by multiple in silico algorithms, and/or has population frequency not consistent with disease.

NM_018136.5(ASPM):c.1790G>A (p.Arg597Gln)

Gene: ASPM (assembly factor for spindle microtubules; minus strand). Cytogenetic location: 1q31.3.
Variant type: single nucleotide variant.
Coding change: c.1790G>A on transcript NM_018136.5 (MANE Select); coding-DNA position 1790, G replaced by A.
Protein change: p.Arg597Gln; replaces arginine 597 with glutamine.
Molecular consequence: missense variant.
Genome position (GRCh38, 1-based): chr1:197,142,462, C>T on the plus strand (G>A on the coding strand, the complement: ASPM is on the minus strand). VCF-style: chr1-197142462-C-T. GRCh37 (hg19) VCF-style: chr1-197111592-C-T.
Other names: c.1790G>A, p.Arg597Gln (NM_001206846.2); short protein forms R597Q.
Identifiers: ClinVar variation 386007 (VCV000386007.5), dbSNP rs377444313, ClinGen allele CA16603517.
Genomic context (GRCh38, chr1:197,142,462, plus strand): 5'-GTTTTCTTAACAGCTGATGTTTTAGGCTCTGAGGGAGAAAAATGGATTCTTTTGATTTCT[C>T]GCACTTCTGTATGTTCTGTAATTGCAACTCTCACATTTGCATCTTCCATGCTTCCATCGC-3'
Protein context (NP_060606.3, residues 587-607): RVAITEHTEV[Arg597Gln]EIKRIHFSPS